The following is an entry in ClinVar:

ClinVar aggregate classification (germline): Conflicting classifications of pathogenicity. Review status: criteria provided, conflicting classifications (1 of 4 stars). 4 submissions from 4 submitters: Uncertain significance (3); Likely benign (1). Last evaluated 2024-02-22.

Conditions:
Hereditary cancer-predisposing syndrome. Also called: Tumor predisposition; Hereditary neoplastic syndrome; Neoplastic Syndromes, Hereditary; Hereditary Cancer Syndrome. Identifiers: Orphanet 140162, MedGen C0027672, MeSH D009386, MONDO:0015356.
Hereditary breast ovarian cancer syndrome. Also called: Hereditary breast and ovarian cancer; Breast and ovarian cancer; Hereditary breast and/or ovarian cancer syndrome; Hereditary breast and ovarian cancer syndrome; Hereditary breast and ovarian cancer syndrome (HBOC); BRCA1- and BRCA2-Associated Hereditary Breast and Ovarian Cancer. Identifiers: Orphanet 145, MedGen C0677776, MeSH D061325, MONDO:0003582. Disease mechanism: loss of function.

Allele frequency attached by ClinVar (database versions not stated): gnomAD exomes below 0.00001; gnomAD 0.00001.
gnomAD v4.1: 2 of 1,608,010 alleles (0.00012%); highest among the groups gnomAD compares: East Asian, 0.0045%; no homozygotes.

Submissions (4):

Ambry Genetics
Classification: Uncertain significance for Hereditary cancer-predisposing syndrome. Last evaluated: 2024-02-22. Review status: criteria provided, single submitter. Criteria: Ambry Variant Classification Scheme 2023. Collection method: clinical testing. Allele origin: germline.
Comment: The p.E1734V variant (also known as c.5201A>T), located in coding exon 10 of the BRCA2 gene, results from an A to T substitution at nucleotide position 5201. The glutamic acid at codon 1734 is replaced by valine, an amino acid with dissimilar properties. This amino acid position is not well conserved in available vertebrate species. In addition, this alteration is predicted to be tolerated by in silico analysis. Based on the available evidence, the clinical significance of this alteration remains unclear.

University of Washington Department of Laboratory Medicine, University of Washington
Classification: Likely benign for Hereditary cancer-predisposing syndrome. Last evaluated: 2023-03-23. Review status: criteria provided, single submitter. Criteria: Dines et al. (Genet Med. 2020). Collection method: curation. Allele origin: germline.
Comment: Missense variant in a coldspot region where missense variants are very unlikely to be pathogenic (PMID:31911673).

BRCA2 exon 11 coldspot. Reclassification based on statistical prior probability.

Labcorp Genetics (formerly Invitae), Labcorp
Classification: Uncertain significance for Hereditary breast ovarian cancer syndrome. Last evaluated: 2021-08-25. Review status: criteria provided, single submitter. Criteria: Invitae Variant Classification Sherloc (09022015). Collection method: clinical testing. Allele origin: germline.
Comment: This sequence change replaces glutamic acid with valine at codon 1734 of the BRCA2 protein (p.Glu1734Val). The glutamic acid residue is weakly conserved and there is a moderate physicochemical difference between glutamic acid and valine. This variant is not present in population databases (ExAC no frequency). This variant has not been reported in the literature in individuals affected with BRCA2-related conditions. Algorithms developed to predict the effect of missense changes on protein structure and function are either unavailable or do not agree on the potential impact of this missense change (SIFT: "Tolerated"; PolyPhen-2: "Possibly Damaging"; Align-GVGD: "Class C0"). In summary, the available evidence is currently insufficient to determine the role of this variant in disease. Therefore, it has been classified as a Variant of Uncertain Significance.

Color Diagnostics, LLC DBA Color Health
Classification: Uncertain significance for Hereditary cancer-predisposing syndrome. Last evaluated: 2019-05-07. Review status: criteria provided, single submitter. Criteria: ACMG Guidelines, 2015. Collection method: clinical testing. Allele origin: germline.

NM_000059.4(BRCA2):c.5201A>T (p.Glu1734Val)

Gene: BRCA2 (BRCA2 DNA repair associated; plus strand). Cytogenetic location: 13q13.1.
Variant type: single nucleotide variant.
Coding change: c.5201A>T on transcript NM_000059.4 (MANE Select); coding-DNA position 5201, A replaced by T.
Protein change: p.Glu1734Val; replaces glutamic acid 1734 with valine.
Molecular consequence: missense variant.
Genome position (GRCh38, 1-based): chr13:32,339,556, A>T. VCF-style: chr13-32339556-A-T. GRCh37 (hg19) VCF-style: chr13-32913693-A-T.
Other names: short protein forms E1734V.
Identifiers: ClinVar variation 859297 (VCV000859297.12), dbSNP rs1200008651, ClinGen allele CA387784593.